The following is an entry in ClinVar:

ClinVar aggregate classification (germline): Pathogenic. Review status: criteria provided, multiple submitters, no conflicts (2 of 4 stars). 2 submissions from 2 submitters: Pathogenic (2). Last evaluated 2026-07-20.

Conditions:
NOTCH3-related disorder. Also called: NOTCH3-related disorders; NOTCH3-related condition.
Cerebral arteriopathy, autosomal dominant, with subcortical infarcts and leukoencephalopathy, type 1 (CADASIL1). Also called: CASIL; Cerebral arteriopathy with subcortical infarcts and leukoencephalopathy 1; DEMENTIA, HEREDITARY MULTIINFARCT TYPE; CADASIL 1. Identifiers: Orphanet 136, MedGen C4551768, MONDO:0000914, OMIM 125310.

Submissions (2):

PreventionGenetics, part of Exact Sciences
Classification: Pathogenic for NOTCH3-related condition. Last evaluated: 2026-07-20. Review status: criteria provided, single submitter. Criteria: ACMG Guidelines, 2015. Collection method: clinical testing. Allele origin: germline.
Comment: The NOTCH3 c.194G>T variant is predicted to result in the amino acid substitution p.Cys65Phe. This variant has been reported in individuals with cerebral autosomal dominant arteriopathy with subcortical infarcts and leukoencephalopathy (CADASIL, Juhosová et al. 2023. PubMed ID: 36401683). Alternate missense changes at the same amino acid position (p.Cys65Ser and p.Cys65Tyr) have also been reported in CADASIL patients (Mukai et al. 2020. PubMed ID: 32277177). Most CADASIL causing variants in the NOTCH3 gene result in the gain or loss of one or more cysteine residues in the extracellular domain of the protein, as seen in this patient. This patient’s variant alters a cysteine residue and is located in the extracellular EGF-like domain one. Pathogenic variants in EGF-like domains 1-6 appear to be fully penetrant and are usually associated with the classical CADASIL phenotype. However, there is variability in disease severity (OMIM #125310; Rutten et al. 2016. PubMed ID: 27844030; Rutten et al. 2019. PubMed ID: 30032161). This variant has not been reported in a large population database (gnomAD), indicating it is rare. This variant is interpreted as pathogenic.

MVZ Martinsried, Medicover Genetics
Classification: Pathogenic for Cerebral arteriopathy, autosomal dominant, with subcortical infarcts and leukoencephalopathy, type 1. Last evaluated: 2020-03-05. Review status: criteria provided, single submitter. Criteria: ACMG Guidelines, 2015. Collection method: clinical testing. Allele origin: unknown. Affected: yes.

NM_000435.3(NOTCH3):c.194G>T (p.Cys65Phe)

Gene: NOTCH3 (notch receptor 3; minus strand). Cytogenetic location: 19p13.12.
Variant type: single nucleotide variant.
Coding change: c.194G>T on transcript NM_000435.3 (MANE Select); coding-DNA position 194, G replaced by T.
Protein change: p.Cys65Phe; replaces cysteine 65 with phenylalanine.
Molecular consequence: missense variant.
Genome position (GRCh38, 1-based): chr19:15,197,503, C>A on the plus strand (G>T on the coding strand, the complement: NOTCH3 is on the minus strand). VCF-style: chr19-15197503-C-A. GRCh37 (hg19) VCF-style: chr19-15308314-C-A.
Other names: short protein forms C65F.
Identifiers: ClinVar variation 972687 (VCV000972687.3), dbSNP rs1555730176, ClinGen allele CA404483313.